The following is an entry in ClinVar:

NM_020987.5(ANK3):c.7987G>A (p.Glu2663Lys)

Gene: ANK3 (ankyrin 3; minus strand). Cytogenetic location: 10q21.2.
Variant type: single nucleotide variant.
Coding change: c.7987G>A on transcript NM_020987.5 (MANE Select); coding-DNA position 7987, G replaced by A.
Protein change: p.Glu2663Lys; replaces glutamic acid 2663 with lysine.
Molecular consequence: missense variant. On other transcripts: intron variant (4).
Genome position (GRCh38, 1-based): chr10:60,072,894, C>T on the plus strand (G>A on the coding strand, the complement: ANK3 is on the minus strand). VCF-style: chr10-60072894-C-T. GRCh37 (hg19) VCF-style: chr10-61832652-C-T.
Other names: c.4388-4885G>A (NM_001204403.2); c.4409-4885G>A (NM_001204404.2); c.4406-4885G>A (NM_001320874.2); c.1808-4885G>A (NM_001149.4); c.7987G>A (NM_020987.3, NM_020987.4); short protein forms E2663K.
Identifiers: ClinVar variation 1399528 (VCV001399528.34), dbSNP rs369092362, ClinGen allele CA5511632.

ClinVar aggregate classification (germline): Uncertain significance. Review status: criteria provided, multiple submitters, no conflicts (2 of 4 stars). 4 submissions from 4 submitters: Uncertain significance (4). Last evaluated 2025-11-25.

Conditions:
Intellectual developmental disorder, autosomal recessive 37. Also called: Intellectual disability-hypotonia-spasticity-sleep disorder syndrome. Identifiers: Orphanet 356996, MedGen C3809672, MONDO:0014210, OMIM 615493.
Inborn genetic diseases. Identifiers: MedGen C0950123, MeSH D030342.

Allele frequency attached by ClinVar (database versions not stated): gnomAD 0.00001 and 0.00003; ExAC 0.00002; ESP Exome Variant Server 0.00008; gnomAD exomes 0.00001 and 0.00002; TOPMed 0.00001.
gnomAD v4.1: 24 of 1,613,952 alleles (0.0015%); highest among the groups gnomAD compares: South Asian, 0.013%; no homozygotes.

Submissions (4):

Labcorp Genetics (formerly Invitae), Labcorp
Classification: Uncertain significance. Last evaluated: 2025-11-25. Review status: criteria provided, single submitter. Criteria: Invitae Variant Classification Sherloc (09022015). Collection method: clinical testing. Allele origin: germline.
Comment: This sequence change replaces glutamic acid, which is acidic and polar, with lysine, which is basic and polar, at codon 2663 of the ANK3 protein (p.Glu2663Lys). The frequency data for this variant in the population databases is considered unreliable, as metrics indicate poor data quality at this position in the gnomAD database. This missense change has been observed in individual(s) with ANK3-related conditions (PMID: 38988293). ClinVar contains an entry for this variant (Variation ID: 1399528). Invitae Evidence Modeling of protein sequence and biophysical properties (such as structural, functional, and spatial information, amino acid conservation, physicochemical variation, residue mobility, and thermodynamic stability) indicates that this missense variant is not expected to disrupt ANK3 protein function with a negative predictive value of 80%. In summary, the available evidence is currently insufficient to determine the role of this variant in disease. Therefore, it has been classified as a Variant of Uncertain Significance.

CeGaT Center for Human Genetics Tuebingen
Classification: Uncertain significance. Last evaluated: 2023-08-01. Review status: criteria provided, single submitter. Criteria: CeGaT Center For Human Genetics Tuebingen Variant Classification Criteria Version 2. Collection method: clinical testing. Allele origin: germline. Affected: yes. Observed: 1 variant allele.
Comment: ANK3: PM2:Supporting, BP4

Ambry Genetics
Classification: Uncertain significance for Inborn genetic diseases. Last evaluated: 2022-08-08. Review status: criteria provided, single submitter. Criteria: Ambry Variant Classification Scheme 2023. Collection method: clinical testing. Allele origin: germline.

Molecular Genetics Lab, CHRU Brest
Classification: Uncertain significance for Intellectual developmental disorder, autosomal recessive 37. Review status: criteria provided, single submitter. Criteria: ACMG Guidelines, 2015. Collection method: clinical testing. Allele origin: paternal. Affected: yes.

Literature cited by the submitters: PubMed 38988293 (cited by Labcorp Genetics (formerly Invitae), Labcorp).